The following is an entry in ClinVar:

GRCh37/hg19 5q35.2-35.3(chr5:176305543-177422876)

Genes: FAM153A (family with sequence similarity 153 member A; minus strand), FAM193B (family with sequence similarity 193 member B; minus strand), FGFR4 (fibroblast growth factor receptor 4; plus strand), GRK6 (G protein-coupled receptor kinase 6; plus strand), MXD3 (MAX dimerization protein 3; minus strand) and 20 more. Cytogenetic location: 5q35.2-35.3.
Variant type: copy number gain.
Identifiers: ClinVar variation 625704 (VCV000625704.1).

ClinVar aggregate classification (germline): Pathogenic (1 of 4 stars; one submission).

Submission:

Baylor Genetics
Classification: Pathogenic. Last evaluated: 2018-11-01. Review status: criteria provided, single submitter. Criteria: ACMG CNV Guidelines, 2011. Collection method: clinical testing. Allele origin: germline. Affected: yes. Observed: 1 variant allele.
Comment: Duplications involving this region have been previously reported in patients with short stature, microcephaly, and speech delay (PMID: 19844260)